The following is an entry in ClinVar:

NM_033028.5(BBS4):c.1437G>A (p.Arg479=)

Gene: BBS4 (Bardet-Biedl syndrome 4; plus strand). Cytogenetic location: 15q24.1.
Variant type: single nucleotide variant.
Coding change: c.1437G>A on transcript NM_033028.5 (MANE Select); coding-DNA position 1437, G replaced by A.
Protein change: p.Arg479=; no amino-acid change (arginine 479 retained).
Molecular consequence: synonymous variant. On other transcripts: non-coding transcript variant (2).
Genome position (GRCh38, 1-based): chr15:72,736,950, G>A. VCF-style: chr15-72736950-G-A. GRCh37 (hg19) VCF-style: chr15-73029291-G-A.
Other names: c.921G>A, p.Arg307= (NM_001252678.2); c.1368G>A, p.Arg456= (NM_001320665.2).
Identifiers: ClinVar variation 4998542 (VCV004998542.1).

ClinVar aggregate classification (germline): Likely benign (1 of 4 stars; one submission).

Conditions:
BBS4-related disorder. Also called: BBS4-related condition.

Submission:

PreventionGenetics, part of Exact Sciences
Classification: Likely benign for BBS4-related condition. Last evaluated: 2025-02-05. Review status: criteria provided, single submitter. Criteria: ACMG Guidelines, 2015. Collection method: clinical testing. Allele origin: germline.
Comment: This variant is classified as likely benign based on ACMG/AMP sequence variant interpretation guidelines (Richards et al. 2015 PMID: 25741868, with internal and published modifications).